The following is an entry in ClinVar:

ClinVar aggregate classification (germline): Uncertain significance (1 of 4 stars; one submission).

Allele frequency attached by ClinVar (database versions not stated): TOPMed below 0.00001.

Submission:

Labcorp Genetics (formerly Invitae), Labcorp
Classification: Uncertain significance. Last evaluated: 2023-10-13. Review status: criteria provided, single submitter. Criteria: Invitae Variant Classification Sherloc (09022015). Collection method: clinical testing. Allele origin: germline.
Comment: This sequence change replaces glycine, which is neutral and non-polar, with aspartic acid, which is acidic and polar, at codon 379 of the ZSWIM6 protein (p.Gly379Asp). This variant is not present in population databases (gnomAD no frequency). This variant has not been reported in the literature in individuals affected with ZSWIM6-related conditions. ClinVar contains an entry for this variant (Variation ID: 1994175). Advanced modeling of protein sequence and biophysical properties (such as structural, functional, and spatial information, amino acid conservation, physicochemical variation, residue mobility, and thermodynamic stability) performed at Invitae indicates that this missense variant is not expected to disrupt ZSWIM6 protein function. In summary, the available evidence is currently insufficient to determine the role of this variant in disease. Therefore, it has been classified as a Variant of Uncertain Significance.

NM_020928.2(ZSWIM6):c.1136G>A (p.Gly379Asp)

Gene: ZSWIM6 (zinc finger SWIM-type containing 6; plus strand). Cytogenetic location: 5q12.1.
Variant type: single nucleotide variant.
Coding change: c.1136G>A on transcript NM_020928.2 (MANE Select); coding-DNA position 1136, G replaced by A.
Protein change: p.Gly379Asp; replaces glycine 379 with aspartic acid.
Molecular consequence: missense variant.
Genome position (GRCh38, 1-based): chr5:61,490,888, G>A. VCF-style: chr5-61490888-G-A. GRCh37 (hg19) VCF-style: chr5-60786715-G-A.
Other names: short protein forms G379D.
Identifiers: ClinVar variation 1994175 (VCV001994175.4), dbSNP rs1274993723, ClinGen allele CA359942309.